The following is an entry in ClinVar:

ClinVar aggregate classification (germline): Likely benign (1 of 4 stars; one submission).

gnomAD v4.1: 3 of 1,612,042 alleles (0.00019%); highest among the groups gnomAD compares: Admixed American, 0.005%; no homozygotes.

Submission:

CeGaT Center for Human Genetics Tuebingen
Classification: Likely benign. Last evaluated: 2025-12-01. Review status: criteria provided, single submitter. Criteria: CeGaT Center For Human Genetics Tuebingen Variant Classification Criteria Version 2. Collection method: clinical testing. Allele origin: germline. Affected: yes. Observed: 1 variant allele.
Comment: SLC26A9: BP4, BP7

NM_052934.4(SLC26A9):c.*186A>G

Gene: SLC26A9 (solute carrier family 26 member 9; minus strand). Cytogenetic location: 1q32.1.
Variant type: single nucleotide variant.
Coding change: c.*186A>G on transcript NM_052934.4 (MANE Select); 186 bases downstream of the stop codon, A replaced by G.
Molecular consequence: 3 prime UTR variant. On other transcripts: synonymous variant (1).
Genome position (GRCh38, 1-based): chr1:205,915,171, T>C on the plus strand (A>G on the coding strand, the complement: SLC26A9 is on the minus strand). VCF-style: chr1-205915171-T-C. GRCh37 (hg19) VCF-style: chr1-205884299-T-C.
Other names: c.2385A>G, p.Ser795= (NM_134325.3).
Identifiers: ClinVar variation 4681781 (VCV004681781.5).